The following is an entry in ClinVar:

ClinVar aggregate classification (germline): Uncertain significance. Review status: criteria provided, multiple submitters, no conflicts (2 of 4 stars). 5 submissions from 5 submitters: Uncertain significance (5). Last evaluated 2026-01-24.

Conditions:
Familial melanoma. Also called: Hereditary melanoma; Hereditary cutaneous melanoma. Identifiers: Orphanet 618, MedGen C1512419, MONDO:0018961.
Hereditary cancer-predisposing syndrome. Also called: Tumor predisposition; Neoplastic Syndromes, Hereditary; Hereditary neoplastic syndrome; Hereditary Cancer Syndrome. Identifiers: Orphanet 140162, MedGen C0027672, MeSH D009386, MONDO:0015356.

gnomAD v4.1: 2 of 1,613,104 alleles (0.00012%); highest among the groups gnomAD compares: Non-Finnish European, 0.00017%; no homozygotes.

Submissions (5):

Labcorp Genetics (formerly Invitae), Labcorp
Classification: Uncertain significance for Familial melanoma. Last evaluated: 2026-01-24. Review status: criteria provided, single submitter. Criteria: Invitae Variant Classification Sherloc (09022015). Collection method: clinical testing. Allele origin: germline.
Comment: This sequence change replaces glycine, which is neutral and non-polar, with glutamic acid, which is acidic and polar, at codon 35 of the CDKN2A (p16INK4a) protein (p.Gly35Glu). This variant is not present in population databases (gnomAD no frequency). This missense change has been observed in individual(s) with clinical features of familial cutaneous melanoma and/or melanoma (PMID: 15860862, 17047042, 24659262; internal data). ClinVar contains an entry for this variant (Variation ID: 188292). An algorithm developed to predict the effect of missense changes on protein structure and function (PolyPhen-2) suggests that this variant is likely to be disruptive. Experimental studies have shown that this missense change does not substantially affect CDKN2A (p16INK4a) function (PMID: 24659262). This variant disrupts the p.Gly35 amino acid residue in CDKN2A (p16INK4a). Other variant(s) that disrupt this residue have been determined to be pathogenic (PMID: 8595405, 9425228, 12072543, 12556369, 19260062, 19759551, 21462282, 22841127; internal data). This suggests that this residue is clinically significant, and that variants that disrupt this residue are likely to be disease-causing. In summary, the available evidence is currently insufficient to determine the role of this variant in disease. Therefore, it has been classified as a Variant of Uncertain Significance.

Color Diagnostics, LLC DBA Color Health
Classification: Uncertain significance for Hereditary cancer-predisposing syndrome. Last evaluated: 2024-11-18. Review status: criteria provided, single submitter. Criteria: ACMG Guidelines, 2015. Collection method: clinical testing. Allele origin: germline.
Comment: The CDKN2A locus encodes two different gene products, p16INK4a and p14ARF. This missense variant replaces glycine with glutamic acid at codon 35 of the CDKN2A (p16INK4A) protein. Computational prediction suggests that this variant may have deleterious impact on protein structure and function. A functional study has shown that the variant displays wild type-like protein activity in a cell proliferation assay (PMID: 24659262). This variant has been reported in individuals affected with melanoma in the literature (PMID: 15860862, 25780468). This variant has not been identified in the general population by the Genome Aggregation Database (gnomAD). The available evidence is insufficient to determine the role of this variant in disease conclusively. Therefore, this variant is classified as a Variant of Uncertain Significance.

Quest Diagnostics Nichols Institute San Juan Capistrano
Classification: Uncertain significance. Last evaluated: 2024-05-16. Review status: criteria provided, single submitter. Criteria: Quest Diagnostics criteria. Collection method: clinical testing. Allele origin: unknown.
Comment: The CDKN2A (p16) c.104G>A (p.Gly35Glu) variant has been reported in the published literature in several individuals and families with melanoma (PMIDs: 28830827 (2017), 25780468 (2014), 17047042 (2006), 15860862 (2005)). A functional study indicates this variant is wild type-like in regulating cell proliferation (PMID: 24659262 (2014)). Other missense variants at this codon have also been observed in individuals with melanoma, with mild to pronounced effects on cell growth (PMIDs: 28830827 (2017), 25780468 (2014), 24659262 (2014), 17047042 (2006)). This variant has not been reported in large, multi-ethnic general populations (Genome Aggregation Database). Analysis of this variant using bioinformatics tools for the prediction of the effect of amino acid changes on protein structure and function yielded predictions that this variant is damaging. Based on the available information, we are unable to determine the clinical significance of this variant.

Ambry Genetics
Classification: Uncertain significance for Hereditary cancer-predisposing syndrome. Last evaluated: 2023-07-24. Review status: criteria provided, single submitter. Criteria: Ambry Variant Classification Scheme 2023. Collection method: clinical testing. Allele origin: germline.
Comment: The p.G35E variant (also known as c.104G>A), located in coding exon 1 of the CDKN2A gene, results from a G to A substitution at nucleotide position 104. The glycine at codon 35 is replaced by glutamic acid, an amino acid with similar properties. This alteration has been reported in multiple familial melanoma cases, as well as individuals with multiple primary melanomas (Goldstein AM et al, Cancer Res. 2006 Oct; 66(20):9818-28; Harland M et al, Hered Cancer Clin Pract 2014 ; 12(1):20; Puig S et al, J. Clin. Oncol. 2005 May; 23(13):3043-51). However, a study combining functional data and computational predictions determined this alteration to be "wild-type like" via an in vitro proliferation assay (Scaini MC et al, Hum. Mutat. 2014 Jul; 35(7):828-40). This amino acid position is highly conserved in available vertebrate species. In addition, the in silico prediction for this alteration is inconclusive. Since supporting evidence is limited at this time, the clinical significance of this alteration remains unclear.

Women's Health and Genetics/Laboratory Corporation of America, LabCorp
Classification: Uncertain significance. Last evaluated: 2016-09-02. Review status: criteria provided, single submitter. Criteria: LabCorp Variant Classification Summary - May 2015. Collection method: clinical testing. Allele origin: germline.
Comment: Variant summary: The CDKN2A c.104G>A (p.Gly35Glu) variant results in a non-conservative amino acid change at the highly conserved Ankyrin repeat-containing domain of the protein. 4/4 in silico tools predict a damaging outcome for this variant (SNPs&GO not captured due to low reliability index). This variant is absent in 117326 control chromosomes. This variant has been reported in multiple melanoma patients and is classified by some publications as pathogenic, but considerable authorship overlap among reported studies precludes a confirmation of its presence in multiple independent families or individuals with cutaneous malignant melanoma. Furthermore, no studies reporting a co-segregation of this variant with melanoma have been published. A single functional study demonstrated a wild-type like proliferation assay output with a 3% difference between wt and variant (Scaini_Hum Mut_2013). In addition, one other clinical diagnostic laboratory classified this variant as uncertain significance, without evidence to independently evaluate. Taken together, this variant is classified as VUS.

Literature cited by the submitters: PubMed 15860862 (cited by 5 submitters); PubMed 17047042 (cited by 4 submitters); PubMed 24659262 (cited by 4 submitters); PubMed 8595405 (cited by Labcorp Genetics (formerly Invitae), Labcorp and Ambry Genetics); PubMed 9425228 (cited by Labcorp Genetics (formerly Invitae), Labcorp); PubMed 12072543 (cited by Labcorp Genetics (formerly Invitae), Labcorp); PubMed 12556369 (cited by Labcorp Genetics (formerly Invitae), Labcorp); PubMed 19260062 (cited by Labcorp Genetics (formerly Invitae), Labcorp and Ambry Genetics); PubMed 19759551 (cited by Labcorp Genetics (formerly Invitae), Labcorp); PubMed 21462282 (cited by Labcorp Genetics (formerly Invitae), Labcorp); PubMed 22841127 (cited by Labcorp Genetics (formerly Invitae), Labcorp); PubMed 25780468 (cited by 4 submitters); PubMed 28830827 (cited by Quest Diagnostics Nichols Institute San Juan Capistrano).

NM_000077.5(CDKN2A):c.104G>A (p.Gly35Glu)

Gene: CDKN2A (cyclin dependent kinase inhibitor 2A; minus strand). Cytogenetic location: 9p21.3.
Variant type: single nucleotide variant.
Coding change: c.104G>A on transcript NM_000077.5; coding-DNA position 104, G replaced by A.
Protein change: p.Gly35Glu; replaces glycine 35 with glutamic acid.
Molecular consequence: missense variant (on NM_000077.6). On other transcripts: intron variant (2).
Genome position (GRCh38, 1-based): chr9:21,974,724, C>T on the plus strand (G>A on the coding strand, the complement: CDKN2A is on the minus strand). VCF-style: chr9-21974724-C-T. GRCh37 (hg19) VCF-style: chr9-21974723-C-T.
Other names: c.104G>A, p.Gly35Glu (NM_000077.6, NM_001195132.2, NM_058197.5); c.-3-3516G>A (NM_001363763.2); c.194-3516G>A (NM_058195.4); short protein forms G35E.
Identifiers: ClinVar variation 188292 (VCV000188292.18), dbSNP rs746834149, ClinGen allele CA334547.